The following is an entry in ClinVar:

NM_025137.4(SPG11):c.6158T>G (p.Val2053Gly)

Gene: SPG11 (SPG11 vesicle trafficking associated, spatacsin; minus strand). Cytogenetic location: 15q21.1.
Variant type: single nucleotide variant.
Coding change: c.6158T>G on transcript NM_025137.4 (MANE Select); coding-DNA position 6158, T replaced by G.
Protein change: p.Val2053Gly; replaces valine 2053 with glycine.
Molecular consequence: missense variant. On other transcripts: intron variant (1).
Genome position (GRCh38, 1-based): chr15:44,573,594, A>C on the plus strand (T>G on the coding strand, the complement: SPG11 is on the minus strand). VCF-style: chr15-44573594-A-C. GRCh37 (hg19) VCF-style: chr15-44865792-A-C.
Other names: c.5867-774T>G (NM_001160227.2); short protein forms V2053G.
Identifiers: ClinVar variation 1511089 (VCV001511089.8), dbSNP rs2140928866, ClinGen allele CA392218180.

ClinVar aggregate classification (germline): Uncertain significance (1 of 4 stars; one submission).

Conditions:
Hereditary spastic paraplegia 11. Also called: Spastic paraplegia, mental retardation and thin corpus callosum; SPASTIC PARAPLEGIA, AUTOSOMAL RECESSIVE, COMPLICATED, WITH THIN CORPUS CALLOSUM; SPASTIC PARAPLEGIA, AUTOSOMAL RECESSIVE, WITH MENTAL IMPAIRMENT AND THIN CORPUS CALLOSUM; Spastic Paraplegia 11; Nakamura Osame syndrome; Autosomal recessive hereditary spastic paraplegia, mental impairment, and thin corpus callosum. Identifiers: Orphanet 2822, MedGen C1858479, MONDO:0011445, OMIM 604360.

Submission:

Labcorp Genetics (formerly Invitae), Labcorp
Classification: Uncertain significance for Hereditary spastic paraplegia 11. Last evaluated: 2022-10-05. Review status: criteria provided, single submitter. Criteria: Invitae Variant Classification Sherloc (09022015). Collection method: clinical testing. Allele origin: germline.
Comment: In summary, the available evidence is currently insufficient to determine the role of this variant in disease. Therefore, it has been classified as a Variant of Uncertain Significance. This variant disrupts the p.Val2053 amino acid residue in SPG11. Other variant(s) that disrupt this residue have been determined to be pathogenic (PMID: 17717710, 19196735, 20110243, 24833714, 34153142). This suggests that this residue is clinically significant, and that variants that disrupt this residue are likely to be disease-causing. Advanced modeling of protein sequence and biophysical properties (such as structural, functional, and spatial information, amino acid conservation, physicochemical variation, residue mobility, and thermodynamic stability) performed at Invitae indicates that this missense variant is expected to disrupt SPG11 protein function. ClinVar contains an entry for this variant (Variation ID: 1511089). This variant has not been reported in the literature in individuals affected with SPG11-related conditions. This variant is not present in population databases (gnomAD no frequency). This sequence change replaces valine, which is neutral and non-polar, with glycine, which is neutral and non-polar, at codon 2053 of the SPG11 protein (p.Val2053Gly).

Literature cited by the submitters: PubMed 17717710; PubMed 19196735; PubMed 20110243; PubMed 24833714; PubMed 34153142.